The following is an entry in ClinVar:

ClinVar aggregate classification (germline): Likely pathogenic (1 of 4 stars; one submission).

Conditions:
Autosomal recessive nonsyndromic hearing loss 22. Identifiers: Orphanet 90636, MedGen C1846896, MONDO:0011762, OMIM 607039.

Submission:

King Laboratory, University of Washington
Classification: Likely pathogenic for Autosomal recessive nonsyndromic hearing loss 22. Last evaluated: 2023-02-28. Review status: criteria provided, single submitter. Criteria: Li et al. (Genet Med. 2022). Collection method: research. Allele origin: unknown. Affected: yes.
Comment: This variant occurred in compound heterozygosity with an OTOA full gene deletion in two siblings with bilateral sensorineural hearing loss of onset <18 years, in a study of pediatric hearing loss conducted by the King Laboratory (Carlson RJ et al. JAMA-OtoHNS 2023). These siblings’ family has no other history of hearing loss. This variant is a missense at a moderately conserved site and is predicted to be damaging by multiple in-silico tools. As of January 2023, this variant has not been reported to ClinVar and is not found on gnomAD. Based on consistently predicted functional effect, compound heterozygosity with a loss-of-function variant, co-segregation with the phenotype in the famiy, and goodness of fit of genotype to phenotype, we conclude that this variant is likely pathogenic.

Literature cited by the submitters: PubMed 36633841.

NM_144672.4(OTOA):c.2991A>C (p.Glu997Asp)

Gene: OTOA (otoancorin). Cytogenetic location: 16p12.2.
Variant type: single nucleotide variant.
Coding change: c.2991A>C on transcript NM_144672.4 (MANE Select); coding-DNA position 2991, A replaced by C.
Protein change: p.Glu997Asp; replaces glutamic acid 997 with aspartic acid.
Molecular consequence: missense variant.
Genome position (GRCh38, 1-based): chr16:21,752,441, A>C. VCF-style: chr16-21752441-A-C. GRCh37 (hg19) VCF-style: chr16-21763762-A-C.
Other names: c.2754A>C, p.Glu918Asp (NM_001161683.2); c.2019A>C, p.Glu673Asp (NM_170664.3); short protein forms E997D, E673D, E918D.
Identifiers: ClinVar variation 2445654 (VCV002445654.1), dbSNP rs764779350, ClinGen allele CA395065888.